The following is an entry in ClinVar:

NM_002755.4(MAP2K1):c.692C>T (p.Ser231Leu)

Gene: MAP2K1 (mitogen-activated protein kinase kinase 1; plus strand). Cytogenetic location: 15q22.31.
Variant type: single nucleotide variant.
Coding change: c.692C>T on transcript NM_002755.4 (MANE Select); coding-DNA position 692, C replaced by T.
Protein change: p.Ser231Leu; replaces serine 231 with leucine.
Molecular consequence: missense variant.
Genome position (GRCh38, 1-based): chr15:66,481,878, C>T. VCF-style: chr15-66481878-C-T. GRCh37 (hg19) VCF-style: chr15-66774216-C-T.
Other names: short protein forms S231L.
Identifiers: ClinVar variation 1315628 (VCV001315628.4), dbSNP rs1473690179, ClinGen allele CA392936568.

ClinVar aggregate classification (germline): Uncertain significance. Review status: criteria provided, multiple submitters, no conflicts (2 of 4 stars). 2 submissions from 2 submitters: Uncertain significance (2). Last evaluated 2019-09-18.

Conditions:
Melorheostosis (MEL). Also called: MELORHEOSTOSIS, ISOLATED. Identifiers: Orphanet 2485, MedGen C3149631, MONDO:0007970, OMIM 155950, HP:6000817.
Cardiofaciocutaneous syndrome 3 (CFC3). Also called: MAP2K1-Related Cardiofaciocutaneous Syndrome. Identifiers: Orphanet 1340, MedGen C3809006, MONDO:0014113, OMIM 615279.

Allele frequency attached by ClinVar (database versions not stated): gnomAD exomes below 0.00001.
gnomAD v4.1: 3 of 1,613,564 alleles (0.00019%); highest among the groups gnomAD compares: Non-Finnish European, 0.00025%; no homozygotes.

Submissions (2):

GeneDx
Classification: Uncertain significance. Last evaluated: 2019-09-18. Review status: criteria provided, single submitter. Criteria: GeneDx Variant Classification Process June 2021. Collection method: clinical testing. Allele origin: germline. Affected: yes.
Comment: The majority of missense variants in this gene are considered pathogenic (Stenson et al., 2014); In silico analysis, which includes protein predictors and evolutionary conservation, supports a deleterious effect; Has not been previously published as pathogenic or benign to our knowledge

Juno Genomics, Hangzhou Juno Genomics, Inc
Classification: Uncertain significance for Cardiofaciocutaneous syndrome 3; Melorheostosis. Review status: criteria provided, single submitter. Criteria: ACMG Guidelines, 2015. Collection method: clinical testing. Allele origin: germline.
Comment: Absent from controls (or at extremely low frequency if recessive) in Genome Aggregation Database.;Missense variant in a gene that has a low rate of benign missense variation.;Multiple lines of computational evidence support a deleterious effect on the gene or gene product.